The following is an entry in ClinVar:

ClinVar aggregate classification (germline): Pathogenic (1 of 4 stars; one submission).

Conditions:
Pontocerebellar hypoplasia type 9. Identifiers: Orphanet 369920, MedGen C4014354, MONDO:0014351, OMIM 615809.

Submission:

Victorian Clinical Genetics Services, Murdoch Childrens Research Institute
Classification: Pathogenic for Pontocerebellar hypoplasia type 9. Last evaluated: 2019-03-19. Review status: criteria provided, single submitter. Criteria: ACMG Guidelines, 2015. Collection method: clinical testing. Allele origin: unknown. Affected: yes.
Comment: A heterozygous nonsense variant, NM_004037.7(AMPD2):c.1360C>T, has been identified in exon 10 of 18 of the AMPD2 gene. The variant is predicted to result in a premature stop codon at position 454 of the protein (NP_001244289.1(AMPD2):p.(Gln454*)). This variant is predicted to result in loss of protein function through truncation (including the AMPD functional domain) or nonsense-mediated decay. The variant is absent in population databases (gnomAD). This variant has not been previously reported in clinical cases, however, homozygous and compound heterozygous truncating variants in AMPD2 have previously been shown to cause Pontocerebellar hypoplasia type 9 (ClinVar, Accogli, A. et al. (2017), Kortum, F. et al. (2018)). Based on the information available at the time of curation, this variant has been classified as PATHOGENIC.

NM_001368809.2(AMPD2):c.1198C>T (p.Gln400Ter)

Genes: AMPD2 (adenosine monophosphate deaminase 2; plus strand), LOC126805822 (BRD4-independent group 4 enhancer GRCh37_chr1:110170748-110171947; plus strand). Cytogenetic location: 1p13.3.
Variant type: single nucleotide variant.
Coding change: c.1198C>T on transcript NM_001368809.2 (MANE Select); coding-DNA position 1198, C replaced by T.
Protein change: p.Gln400Ter; replaces glutamine 400 with a stop codon.
Molecular consequence: nonsense.
Genome position (GRCh38, 1-based): chr1:109,628,200, C>T. VCF-style: chr1-109628200-C-T. GRCh37 (hg19) VCF-style: chr1-110170822-C-T.
Other names: c.1006C>T, p.Gln336Ter (NM_001257361.2); c.1135C>T, p.Gln379Ter (NM_001308170.1); c.1198C>T, p.Gln400Ter (NM_004037.9); c.1117C>T, p.Gln373Ter (NM_139156.4); short protein forms Q336*, Q373*, Q379*, Q400*.
Identifiers: ClinVar variation 975089 (VCV000975089.3), dbSNP rs1011286644, ClinGen allele CA28695641.